The following is an entry in ClinVar:

ClinVar aggregate classification (germline): Pathogenic. Review status: criteria provided, multiple submitters, no conflicts (2 of 4 stars). 3 submissions from 3 submitters: Pathogenic (3). Last evaluated 2026-09-23.

Conditions:
Ataxia-telangiectasia syndrome (AT). Also called: Ataxia-telangiectasia, complementation group D; AT, COMPLEMENTATION GROUP C; ATAXIA-TELANGIECTASIA, COMPLEMENTATION GROUP A; ATAXIA-TELANGIECTASIA, FRESNO VARIANT; Ataxia-telangiectasia, complementation group E; LOUIS-BAR SYNDROME. Identifiers: Orphanet 100, MedGen C0004135, MONDO:0008840, OMIM 208900.
Familial cancer of breast. Also called: BREAST CANCER, FAMILIAL; Hereditary breast cancer; hereditary breast carcinoma. Identifiers: Orphanet 227535, MedGen C0346153, MONDO:0016419, OMIM 114480. Disease mechanism: loss of function.
Hereditary cancer-predisposing syndrome. Also called: Tumor predisposition; Hereditary Cancer Syndrome; Hereditary neoplastic syndrome; Neoplastic Syndromes, Hereditary. Identifiers: Orphanet 140162, MedGen C0027672, MeSH D009386, MONDO:0015356.

Allele frequency attached by ClinVar (database versions not stated): gnomAD exomes below 0.00001.
gnomAD v4.1: 1 of 1,612,654 alleles (0.000062%); highest among the groups gnomAD compares: Non-Finnish European, 0.000085%; no homozygotes.

Submissions (3):

Myriad Genetics, Inc.
Classification: Pathogenic for Familial cancer of breast. Last evaluated: 2026-09-23. Review status: criteria provided, single submitter. Criteria: Myriad Autosomal Dominant, Autosomal Recessive and X-Linked Classification Criteria (2023). Collection method: clinical testing. Allele origin: unknown.
Comment: This variant is considered pathogenic. This variant creates a termination codon and is predicted to result in premature protein truncation.

Labcorp Genetics (formerly Invitae), Labcorp
Classification: Pathogenic for Ataxia-telangiectasia syndrome. Last evaluated: 2025-04-07. Review status: criteria provided, single submitter. Criteria: Invitae Variant Classification Sherloc (09022015). Collection method: clinical testing. Allele origin: germline.
Comment: This sequence change creates a premature translational stop signal (p.Gln984*) in the ATM gene. It is expected to result in an absent or disrupted protein product. Loss-of-function variants in ATM are known to be pathogenic (PMID: 23807571, 25614872). This variant is not present in population databases (gnomAD no frequency). This variant has not been reported in the literature in individuals affected with ATM-related conditions. ClinVar contains an entry for this variant (Variation ID: 2008696). Algorithms developed to predict the effect of sequence changes on RNA splicing suggest that this variant may disrupt the consensus splice site. For these reasons, this variant has been classified as Pathogenic.

Ambry Genetics
Classification: Pathogenic for Hereditary cancer-predisposing syndrome. Last evaluated: 2022-11-09. Review status: criteria provided, single submitter. Criteria: Ambry Variant Classification Scheme 2023. Collection method: clinical testing. Allele origin: germline.
Comment: The p.Q984* pathogenic mutation (also known as c.2950C>T), located in coding exon 19 of the ATM gene, results from a C to T substitution at nucleotide position 2950. This changes the amino acid from a glutamine to a stop codon within coding exon 19. This alteration is expected to result in loss of function by premature protein truncation or nonsense-mediated mRNA decay. As such, this alteration is interpreted as a disease-causing mutation.

Literature cited by the submitters: PubMed 23807571 (cited by Labcorp Genetics (formerly Invitae), Labcorp); PubMed 25614872 (cited by Labcorp Genetics (formerly Invitae), Labcorp).

NM_000051.4(ATM):c.2950C>T (p.Gln984Ter)

Gene: ATM (ATM serine/threonine kinase; plus strand). Cytogenetic location: 11q22.3.
Variant type: single nucleotide variant.
Coding change: c.2950C>T on transcript NM_000051.4 (MANE Select); coding-DNA position 2950, C replaced by T.
Protein change: p.Gln984Ter; replaces glutamine 984 with a stop codon.
Molecular consequence: nonsense.
Genome position (GRCh38, 1-based): chr11:108,271,279, C>T. VCF-style: chr11-108271279-C-T. GRCh37 (hg19) VCF-style: chr11-108142006-C-T.
Other names: c.2950C>T, p.Gln984Ter (NM_001351834.2); short protein forms Q984*.
Identifiers: ClinVar variation 2008696 (VCV002008696.6), dbSNP rs2135552016, ClinGen allele CA382547180.